The following is an entry in ClinVar:

NM_002471.4(MYH6):c.1131C>T (p.Asp377=)

Gene: MYH6 (myosin heavy chain 6; minus strand). Cytogenetic location: 14q11.2.
Variant type: single nucleotide variant.
Coding change: c.1131C>T on transcript NM_002471.4 (MANE Select); coding-DNA position 1131, C replaced by T.
Protein change: p.Asp377=; no amino-acid change (aspartic acid 377 retained).
Molecular consequence: synonymous variant.
Genome position (GRCh38, 1-based): chr14:23,402,474, G>A on the plus strand (C>T on the coding strand, the complement: MYH6 is on the minus strand). VCF-style: chr14-23402474-G-A. GRCh37 (hg19) VCF-style: chr14-23871683-G-A.
Identifiers: ClinVar variation 227584 (VCV000227584.30), dbSNP rs61742472, ClinGen allele CA7115899.

ClinVar aggregate classification (germline): Benign/Likely benign. Review status: criteria provided, multiple submitters, no conflicts (2 of 4 stars). 13 submissions from 13 submitters: Benign (3); Likely benign (7). 3 of the submissions do not count toward it. Last evaluated 2026-01-28.

Conditions:
Cardiovascular phenotype. Identifiers: MedGen CN230736.
MYH6-related disorder. Also called: MYH6-Related Disorders; MYH6-related condition.
Cardiomyopathy (CMYO). Also called: Cardiomyopathies. Identifiers: Orphanet 167848, MedGen C0878544, MONDO:0004994, HP:0001638. Inheritance: Various modes of inheritance.
Hypertrophic cardiomyopathy 14. Identifiers: MedGen C2750467, MONDO:0013197, OMIM 613251.

Allele frequency attached by ClinVar (database versions not stated): 1000 Genomes Project 30x 0.00016; TOPMed 0.00069.

Submissions (13):

Labcorp Genetics (formerly Invitae), Labcorp
Classification: Benign for Hypertrophic cardiomyopathy 14. Last evaluated: 2026-01-28. Review status: criteria provided, single submitter. Criteria: Invitae Variant Classification Sherloc (09022015). Collection method: clinical testing. Allele origin: germline.

PreventionGenetics, part of Exact Sciences
Classification: Likely benign for MYH6-related condition. Last evaluated: 2025-06-06. Review status: criteria provided, single submitter. Criteria: ACMG Guidelines, 2015. Collection method: clinical testing. Allele origin: germline.
Comment: This variant is classified as likely benign based on ACMG/AMP sequence variant interpretation guidelines (Richards et al. 2015 PMID: 25741868, with internal and published modifications).

Blueprint Genetics
Classification: Likely benign. Last evaluated: 2024-08-22. Review status: criteria provided, single submitter. Criteria: ACMG Guidelines, 2015. Collection method: clinical testing. Allele origin: germline.

ARUP Laboratories, Molecular Genetics and Genomics, ARUP Laboratories
Classification: Benign. Last evaluated: 2023-01-03. Review status: criteria provided, single submitter. Criteria: ARUP Molecular Germline Variant Investigation Process 2024. Collection method: clinical testing. Allele origin: germline.

Women's Health and Genetics/Laboratory Corporation of America, LabCorp
Classification: Benign. Last evaluated: 2019-03-25. Review status: criteria provided, single submitter. Criteria: LabCorp Variant Classification Summary - May 2015. Collection method: clinical testing. Allele origin: germline.
Comment: Variant summary: MYH6 c.1131C>T alters a non-conserved nucleotide resulting in a synonymous change. 5/5 computational tools predict no significant impact on normal splicing. However, these predictions have yet to be confirmed by functional studies. The variant allele was found at a frequency of 0.00023 in 276770 control chromosomes, predominantly at a frequency of 0.0017 within the African subpopulation in the gnomAD database. The observed variant frequency within African control individuals in the gnomAD database is approximately 68 fold of the estimated maximal expected allele frequency for a pathogenic variant in MYH6 causing Cardiomyopathy phenotype (2.5e-05), strongly suggesting that the variant is a benign polymorphism found primarily in populations of African origin. To our knowledge, no occurrence of c.1131C>T in individuals affected with Cardiomyopathy and no experimental evidence demonstrating its impact on protein function have been reported. Six clinical diagnostic laboratories have submitted clinical-significance assessments for this variant to ClinVar after 2014 without evidence for independent evaluation (X3 likely benign and X3 uncertain significance). Based on the evidence outlined above, the variant was classified as benign.

GeneDx
Classification: Likely benign. Last evaluated: 2018-01-16. Review status: criteria provided, single submitter. Criteria: GeneDx Variant Classification (06012015). Collection method: clinical testing. Allele origin: germline. Affected: yes.
Comment: This variant is considered likely benign or benign based on one or more of the following criteria: it is a conservative change, it occurs at a poorly conserved position in the protein, it is predicted to be benign by multiple in silico algorithms, and/or has population frequency not consistent with disease.

CHEO Genetics Diagnostic Laboratory, Children's Hospital of Eastern Ontario
Classification: Likely benign for Cardiomyopathy. Last evaluated: 2016-10-12. Review status: criteria provided, single submitter. Criteria: ACMG Guidelines, 2015. Collection method: clinical testing. Allele origin: germline. Study: Canadian Open Genetics Repository.

Ambry Genetics
Classification: Likely benign for Cardiovascular phenotype. Last evaluated: 2015-06-29. Review status: criteria provided, single submitter. Criteria: Ambry Variant Classification Scheme 2023. Collection method: clinical testing. Allele origin: germline.

Laboratory for Molecular Medicine, Mass General Brigham Personalized Medicine
Classification: Likely benign. Last evaluated: 2015-05-06. Review status: criteria provided, single submitter. Criteria: LMM Criteria. Collection method: clinical testing. Allele origin: germline. Observed: 2 variant alleles.
Comment: p.Asp377Asp in exon 12 of MYH6: This variant is not expected to have clinical si gnificance because it does not alter an amino acid residue and is not located wi thin the splice consensus sequence. It has been identified in 0.2% (18/10384) of African chromosomes by the Exome Aggregation Consortium (ExAC; dbSNP rs61742472).

Molecular Diagnostic Laboratory for Inherited Cardiovascular Disease, Montreal Heart Institute
Classification: Likely benign. Review status: criteria provided, single submitter. Criteria: ACMG Guidelines, 2015. Collection method: clinical testing. Allele origin: germline. Affected: yes.

Clinical Genetics DNA and cytogenetics Diagnostics Lab, Erasmus MC, Erasmus Medical Center
Classification: Likely benign. Review status: no assertion criteria provided. Collection method: clinical testing. Allele origin: germline. Affected: yes. Study: VKGL Data-share Consensus. Not counted in ClinVar's aggregate classification.

Clinical Genetics, Academic Medical Center
Classification: Benign. Review status: no assertion criteria provided. Collection method: clinical testing. Allele origin: germline. Affected: yes. Study: VKGL Data-share Consensus. Not counted in ClinVar's aggregate classification.

Genome Diagnostics Laboratory, University Medical Center Utrecht
Classification: Benign. Review status: no assertion criteria provided. Collection method: clinical testing. Allele origin: germline. Affected: yes. Study: VKGL Data-share Consensus. Not counted in ClinVar's aggregate classification.